The following is an entry in ClinVar:

ClinVar aggregate classification (germline): Uncertain significance (1 of 4 stars; one submission).

Conditions:
Fanconi anemia (FA). Also called: Fanconi's anemia. Identifiers: Orphanet 84, MedGen C0015625, MeSH D005199, MONDO:0019391.

Submission:

Labcorp Genetics (formerly Invitae), Labcorp
Classification: Uncertain significance for Fanconi anemia. Last evaluated: 2025-01-30. Review status: criteria provided, single submitter. Criteria: Invitae Variant Classification Sherloc (09022015). Collection method: clinical testing. Allele origin: germline.
Comment: This sequence change replaces valine, which is neutral and non-polar, with glycine, which is neutral and non-polar, at codon 301 of the FANCA protein (p.Val301Gly). This variant is not present in population databases (gnomAD no frequency). This variant has not been reported in the literature in individuals affected with FANCA-related conditions. Invitae Evidence Modeling of protein sequence and biophysical properties (such as structural, functional, and spatial information, amino acid conservation, physicochemical variation, residue mobility, and thermodynamic stability) indicates that this missense variant is not expected to disrupt FANCA protein function with a negative predictive value of 95%. In summary, the available evidence is currently insufficient to determine the role of this variant in disease. Therefore, it has been classified as a Variant of Uncertain Significance.

NM_000135.4(FANCA):c.902T>G (p.Val301Gly)

Gene: FANCA (FA complementation group A; minus strand). Cytogenetic location: 16q24.3.
Variant type: single nucleotide variant.
Coding change: c.902T>G on transcript NM_000135.4 (MANE Select); coding-DNA position 902, T replaced by G.
Protein change: p.Val301Gly; replaces valine 301 with glycine.
Molecular consequence: missense variant.
Genome position (GRCh38, 1-based): chr16:89,796,010, A>C on the plus strand (T>G on the coding strand, the complement: FANCA is on the minus strand). VCF-style: chr16-89796010-A-C. GRCh37 (hg19) VCF-style: chr16-89862418-A-C.
Other names: c.902T>G, p.Val301Gly (NM_001286167.3); short protein forms V301G.
Identifiers: ClinVar variation 3720996 (VCV003720996.2).